The following is an entry in ClinVar:

NM_001110556.2(FLNA):c.3715C>T (p.Pro1239Ser)

Gene: FLNA (filamin A; minus strand). Cytogenetic location: Xq28.
Variant type: single nucleotide variant.
Coding change: c.3715C>T on transcript NM_001110556.2 (MANE Select); coding-DNA position 3715, C replaced by T.
Protein change: p.Pro1239Ser; replaces proline 1239 with serine.
Molecular consequence: missense variant.
Genome position (GRCh38, 1-based): chrX:154,360,080, G>A on the plus strand (C>T on the coding strand, the complement: FLNA is on the minus strand). VCF-style: chrX-154360080-G-A. GRCh37 (hg19) VCF-style: chrX-153588448-G-A.
Other names: c.3715C>T, p.Pro1239Ser (NM_001456.4); short protein forms P1239S.
Identifiers: ClinVar variation 3361044 (VCV003361044.3).

ClinVar aggregate classification (germline): Conflicting classifications of pathogenicity. Review status: criteria provided, conflicting classifications (1 of 4 stars). 2 submissions from 2 submitters: Uncertain significance (1); Likely benign (1). Last evaluated 2025-02-02.

Conditions:
Melnick-Needles syndrome (MNS). Also called: Melnick-Needles Syndrome (FLNA-MNS); MELNICK-NEEDLES OSTEODYSPLASTY; OSTEODYSPLASTY OF MELNICK AND NEEDLES. Identifiers: Orphanet 2484, MedGen C0025237, MONDO:0010650, OMIM 309350.
Oto-palato-digital syndrome, type II (OPD2). Also called: Otopalatodigital Syndrome Type 2 (FLNA-OPD2); FACIOPALATOOSSEOUS SYNDROME; OPD II SYNDROME; Otopalatodigital Syndrome, Type II. Identifiers: Orphanet 669, Orphanet 90652, MedGen C1844696, MONDO:0010571, OMIM 304120.
Heterotopia, periventricular, X-linked dominant (PVNH1). Also called: PERIVENTRICULAR NODULAR HETEROTOPIA 1; X-linked periventricular heterotopia; PERIVENTRICULAR NODULAR HETEROTOPIA 4; HETEROTOPIA, PERIVENTRICULAR, 1. Identifiers: Orphanet 2149, Orphanet 82004, MedGen C1848213, MONDO:0010233, OMIM 300049.
Frontometaphyseal dysplasia (FMD1). Identifiers: Orphanet 1826, MedGen C0265293, MONDO:0015942.

gnomAD v4.1: 1 of 1,211,214 alleles (0.000083%); highest among the groups gnomAD compares: Admixed American, 0.0022%; no homozygotes.

Submissions (2):

Labcorp Genetics (formerly Invitae), Labcorp
Classification: Likely benign for Oto-palato-digital syndrome, type II; Heterotopia, periventricular, X-linked dominant; Frontometaphyseal dysplasia; Melnick-Needles syndrome. Last evaluated: 2025-02-02. Review status: criteria provided, single submitter. Criteria: Invitae Variant Classification Sherloc (09022015). Collection method: clinical testing. Allele origin: germline.

GeneDx
Classification: Uncertain significance. Last evaluated: 2023-07-12. Review status: criteria provided, single submitter. Criteria: GeneDx Variant Classification Process June 2021. Collection method: clinical testing. Allele origin: germline. Affected: yes.
Comment: In silico analysis supports that this missense variant has a deleterious effect on protein structure/function; Has not been previously published as pathogenic or benign to our knowledge